The following is an entry in ClinVar:

NM_004655.4(AXIN2):c.70C>A (p.Pro24Thr)

Gene: AXIN2 (axin 2; minus strand). Cytogenetic location: 17q24.1.
Variant type: single nucleotide variant.
Coding change: c.70C>A on transcript NM_004655.4 (MANE Select); coding-DNA position 70, C replaced by A.
Protein change: p.Pro24Thr; replaces proline 24 with threonine.
Molecular consequence: missense variant.
Genome position (GRCh38, 1-based): chr17:65,558,551, G>T on the plus strand (C>A on the coding strand, the complement: AXIN2 is on the minus strand). VCF-style: chr17-65558551-G-T. GRCh37 (hg19) VCF-style: chr17-63554669-G-T.
Other names: c.70C>A, p.Pro24Thr (NM_001363813.1); short protein forms P24T.
Identifiers: ClinVar variation 5032531 (VCV005032531.1).

ClinVar aggregate classification (germline): Uncertain significance (1 of 4 stars; one submission).

Conditions:
Hereditary cancer-predisposing syndrome. Also called: Neoplastic Syndromes, Hereditary; Tumor predisposition; Hereditary neoplastic syndrome; Hereditary Cancer Syndrome. Identifiers: Orphanet 140162, MedGen C0027672, MeSH D009386, MONDO:0015356.

Submission:

Ambry Genetics
Classification: Uncertain significance for Hereditary cancer-predisposing syndrome. Last evaluated: 2026-07-02. Review status: criteria provided, single submitter. Criteria: Ambry Variant Classification Scheme 2023. Collection method: clinical testing. Allele origin: germline.
Comment: The p.P24T variant (also known as c.70C>A), located in coding exon 1 of the AXIN2 gene, results from a C to A substitution at nucleotide position 70. The proline at codon 24 is replaced by threonine, an amino acid with highly similar properties. This amino acid position is conserved. In addition, this alteration is predicted to be deleterious by in silico analysis. Based on the available evidence, the clinical significance of this variant remains unclear.